The following is an entry in ClinVar:

ClinVar aggregate classification (germline): Uncertain significance (1 of 4 stars; one submission).

Allele frequency attached by ClinVar (database versions not stated): gnomAD exomes 0.00001; ExAC 0.00002.
gnomAD v4.1: 13 of 1,606,068 alleles (0.00081%); highest among the groups gnomAD compares: African/African-American, 0.004%; no homozygotes.

Submissions (2):

Labcorp Genetics (formerly Invitae), Labcorp
Classification: Uncertain significance. Last evaluated: 2024-07-15. Review status: criteria provided, single submitter. Criteria: Invitae Variant Classification Sherloc (09022015). Collection method: clinical testing. Allele origin: germline.
Comment: This sequence change replaces threonine, which is neutral and polar, with methionine, which is neutral and non-polar, at codon 788 of the MCM4 protein (p.Thr788Met). This variant is present in population databases (rs781271560, gnomAD 0.002%). This variant has not been reported in the literature in individuals affected with MCM4-related conditions. ClinVar contains an entry for this variant (Variation ID: 2106073). An algorithm developed to predict the effect of missense changes on protein structure and function (PolyPhen-2) suggests that this variant is likely to be disruptive. In summary, the available evidence is currently insufficient to determine the role of this variant in disease. Therefore, it has been classified as a Variant of Uncertain Significance.

Dr. Peter K. Rogan Lab, Western University
No classification provided (evidence only). Condition: Gastric cancer. Review status: no classification provided. Collection method: in vitro. Allele origin: not applicable. Functional consequence: retained intron. Not counted in ClinVar's aggregate classification.

NM_182746.3(MCM4):c.2363C>T (p.Thr788Met)

Gene: MCM4 (minichromosome maintenance complex component 4; plus strand). Cytogenetic location: 8q11.21.
Variant type: single nucleotide variant.
Coding change: c.2363C>T on transcript NM_182746.3 (MANE Select); coding-DNA position 2363, C replaced by T.
Protein change: p.Thr788Met; replaces threonine 788 with methionine.
Molecular consequence: missense variant.
Genome position (GRCh38, 1-based): chr8:47,974,960, C>T. VCF-style: chr8-47974960-C-T. GRCh37 (hg19) VCF-style: chr8-48887520-C-T.
Other names: c.2363C>T, p.Thr788Met (NM_005914.4); short protein forms T788M.
Identifiers: ClinVar variation 2106073 (VCV002106073.4), dbSNP rs781271560, ClinGen allele CA4742884.